The following is an entry in ClinVar:

NM_001377.3(DYNC2H1):c.5757T>C (p.Asp1919=)

Gene: DYNC2H1 (dynein cytoplasmic 2 heavy chain 1; plus strand). Cytogenetic location: 11q22.3.
Variant type: single nucleotide variant.
Coding change: c.5757T>C on transcript NM_001377.3 (MANE Select); coding-DNA position 5757, T replaced by C.
Protein change: p.Asp1919=; no amino-acid change (aspartic acid 1919 retained).
Molecular consequence: synonymous variant.
Genome position (GRCh38, 1-based): chr11:103,176,317, T>C. VCF-style: chr11-103176317-T-C. GRCh37 (hg19) VCF-style: chr11-103047046-T-C.
Other names: c.5757T>C, p.Asp1919= (NM_001080463.2); c.5757T>C (NM_001080463.1).
Identifiers: ClinVar variation 2904848 (VCV002904848.5), dbSNP rs1263559945, ClinGen allele CA476608080.
Genomic context (GRCh38, chr11:103,176,317, plus strand): 5'-ACAAGCACTGAGGCTTAATACCATGTCAAAGTTTACGTTTACTGATTGCACCCGGTTTGA[T>C]GCACTGATAAAAGATGTCTTTCCGGGAATTGAATTGAAAGAAGTGGAATATGATGAACTA-3'
Protein context (NP_001368.2, residues 1909-1929): KFTFTDCTRF[Asp1919=]ALIKDVFPGI

ClinVar aggregate classification (germline): Likely benign. Review status: criteria provided, single submitter (1 of 4 stars). 2 submissions from 2 submitters: Likely benign (1). 1 of the submissions does not count toward it. Last evaluated 2024-03-02.

Conditions:
Jeune thoracic dystrophy. Also called: Short-rib thoracic dysplasia; Infantile thoracic dystrophy; Thoracic pelvic phalangeal dystrophy; Jeune's syndrome; Chondroectodermal dysplasia-like syndrome; Jeune syndrome. Identifiers: Orphanet 474, MedGen C0265275, MONDO:0018770.
DYNC2H1-related disorder. Also called: DYNC2H1-related condition; DYNC2H1-related disorders. Identifiers: MedGen CN378770.

Allele frequency attached by ClinVar (database versions not stated): gnomAD 0.00001.
gnomAD v4.1: 4 of 1,564,640 alleles (0.00026%); highest among the groups gnomAD compares: Admixed American, 0.0019%; no homozygotes.

Submissions (2):

Labcorp Genetics (formerly Invitae), Labcorp
Classification: Likely benign for Jeune thoracic dystrophy. Last evaluated: 2024-03-02. Review status: criteria provided, single submitter. Criteria: Invitae Variant Classification Sherloc (09022015). Collection method: clinical testing. Allele origin: germline.

PreventionGenetics, part of Exact Sciences
Classification: Likely benign for DYNC2H1-related condition. Last evaluated: 2023-08-03. Review status: no assertion criteria provided. Collection method: clinical testing. Allele origin: germline. Not counted in ClinVar's aggregate classification.
Comment: This variant is classified as likely benign based on ACMG/AMP sequence variant interpretation guidelines (Richards et al. 2015 PMID: 25741868, with internal and published modifications).